The following is an entry in ClinVar:

ClinVar aggregate classification (germline): Uncertain significance. Review status: criteria provided, multiple submitters, no conflicts (2 of 4 stars). 4 submissions from 4 submitters: Uncertain significance (4). Last evaluated 2026-04-06.

Conditions:
Inborn genetic diseases. Identifiers: MedGen C0950123, MeSH D030342.
PEX6-related disorder. Also called: PEX6-related condition; PEX6-related disorders.
Peroxisome biogenesis disorder. Identifiers: Orphanet 79189, MedGen C1832200, MONDO:0019234. Disease mechanism: loss of function.

Allele frequency attached by ClinVar (database versions not stated): ExAC 0.00002; gnomAD exomes 0.00002; gnomAD 0.00003 and 0.00004; TOPMed 0.00004.
gnomAD v4.1: 37 of 1,612,644 alleles (0.0023%); highest among the groups gnomAD compares: Admixed American, 0.0033%; no homozygotes.

Submissions (4):

PreventionGenetics, part of Exact Sciences
Classification: Uncertain significance for PEX6-related condition. Last evaluated: 2026-04-06. Review status: criteria provided, single submitter. Criteria: ACMG Guidelines, 2015. Collection method: clinical testing. Allele origin: germline.
Comment: The PEX6 c.1354C>T variant is predicted to result in the amino acid substitution p.Arg452Cys. To our knowledge, this variant has not been reported in the literature. This variant is reported in 0.0065% of alleles in individuals of South Asian descent in gnomAD. At this time, the clinical significance of this variant is uncertain due to the absence of conclusive functional and genetic evidence.

Ambry Genetics
Classification: Uncertain significance for Inborn genetic diseases. Last evaluated: 2025-08-30. Review status: criteria provided, single submitter. Criteria: Ambry Variant Classification Scheme 2023. Collection method: clinical testing. Allele origin: germline.

Mayo Clinic Laboratories, Mayo Clinic
Classification: Uncertain significance. Last evaluated: 2023-07-07. Review status: criteria provided, single submitter. Criteria: ACMG Guidelines, 2015. Collection method: clinical testing. Allele origin: germline. Observed: 1 variant allele.
Comment: PM2_moderate

Labcorp Genetics (formerly Invitae), Labcorp
Classification: Uncertain significance for Peroxisome biogenesis disorder. Last evaluated: 2022-03-09. Review status: criteria provided, single submitter. Criteria: Invitae Variant Classification Sherloc (09022015). Collection method: clinical testing. Allele origin: germline.
Comment: This sequence change replaces arginine, which is basic and polar, with cysteine, which is neutral and slightly polar, at codon 452 of the PEX6 protein (p.Arg452Cys). This variant is present in population databases (rs762734034, gnomAD 0.006%). This variant has not been reported in the literature in individuals affected with PEX6-related conditions. Algorithms developed to predict the effect of missense changes on protein structure and function are either unavailable or do not agree on the potential impact of this missense change (SIFT: "Tolerated"; PolyPhen-2: "Possibly Damaging"; Align-GVGD: "Class C0"). In summary, the available evidence is currently insufficient to determine the role of this variant in disease. Therefore, it has been classified as a Variant of Uncertain Significance.

NM_000287.4(PEX6):c.1354C>T (p.Arg452Cys)

Gene: PEX6 (peroxisomal biogenesis factor 6; minus strand). Cytogenetic location: 6p21.1.
Variant type: single nucleotide variant.
Coding change: c.1354C>T on transcript NM_000287.4 (MANE Select); coding-DNA position 1354, C replaced by T.
Protein change: p.Arg452Cys; replaces arginine 452 with cysteine.
Molecular consequence: missense variant. On other transcripts: non-coding transcript variant (1).
Genome position (GRCh38, 1-based): chr6:42,969,681, G>A on the plus strand (C>T on the coding strand, the complement: PEX6 is on the minus strand). VCF-style: chr6-42969681-G-A. GRCh37 (hg19) VCF-style: chr6-42937419-G-A.
Other names: p.Arg452Cys; c.1090C>T, p.Arg364Cys (NM_001316313.2); c.1354C>T (NM_000287.3); short protein forms R364C, R452C.
Identifiers: ClinVar variation 1498411 (VCV001498411.7), dbSNP rs762734034, ClinGen allele CA3811360.